The following is an entry in ClinVar:

NM_020061.6(OPN1LW):c.315C>T (p.Ile105=)

Gene: OPN1LW (opsin 1, long wave sensitive; plus strand). Cytogenetic location: Xq28.
Variant type: single nucleotide variant.
Coding change: c.315C>T on transcript NM_020061.6 (MANE Select); coding-DNA position 315, C replaced by T.
Protein change: p.Ile105=; no amino-acid change (isoleucine 105 retained).
Molecular consequence: synonymous variant.
Genome position (GRCh38, 1-based): chrX:154,150,858, C>T. VCF-style: chrX-154150858-C-T. GRCh37 (hg19) VCF-style: chrX-153416330-C-T.
Identifiers: ClinVar variation 2661785 (VCV002661785.24), dbSNP rs781829645, ClinGen allele CA10558779.

ClinVar aggregate classification (germline): Likely benign (1 of 4 stars; one submission).

Allele frequency attached by ClinVar (database versions not stated): gnomAD exomes 0.00001; ExAC 0.00002.
gnomAD v4.1: 6 of 1,197,899 alleles (0.0005%); highest among the groups gnomAD compares: Admixed American, 0.0066%; no homozygotes.

Submission:

CeGaT Center for Human Genetics Tuebingen
Classification: Likely benign. Last evaluated: 2022-11-01. Review status: criteria provided, single submitter. Criteria: CeGaT Center For Human Genetics Tuebingen Variant Classification Criteria Version 2. Collection method: clinical testing. Allele origin: germline. Affected: yes. Observed: 1 variant allele.
Comment: OPN1LW: BP4, BP7